The following is an entry in ClinVar:

NM_006231.4(POLE):c.6089C>T (p.Ala2030Val)

Gene: POLE (DNA polymerase epsilon, catalytic subunit; minus strand). Cytogenetic location: 12q24.33.
Variant type: single nucleotide variant.
Coding change: c.6089C>T on transcript NM_006231.4 (MANE Select); coding-DNA position 6089, C replaced by T.
Protein change: p.Ala2030Val; replaces alanine 2030 with valine.
Molecular consequence: missense variant.
Genome position (GRCh38, 1-based): chr12:132,632,711, G>A on the plus strand (C>T on the coding strand, the complement: POLE is on the minus strand). VCF-style: chr12-132632711-G-A. GRCh37 (hg19) VCF-style: chr12-133209297-G-A.
Other names: short protein forms A2030V.
Identifiers: ClinVar variation 2989275 (VCV002989275.3), dbSNP rs2541855838, ClinGen allele CA387370533.

ClinVar aggregate classification (germline): Uncertain significance (1 of 4 stars; one submission).

Submission:

Labcorp Genetics (formerly Invitae), Labcorp
Classification: Uncertain significance. Last evaluated: 2023-03-01. Review status: criteria provided, single submitter. Criteria: Invitae Variant Classification Sherloc (09022015). Collection method: clinical testing. Allele origin: germline.
Comment: This sequence change replaces alanine, which is neutral and non-polar, with valine, which is neutral and non-polar, at codon 2030 of the POLE protein (p.Ala2030Val). In summary, the available evidence is currently insufficient to determine the role of this variant in disease. Therefore, it has been classified as a Variant of Uncertain Significance. An algorithm developed to predict the effect of missense changes on protein structure and function (PolyPhen-2) suggests that this variant is likely to be tolerated. This variant has not been reported in the literature in individuals affected with POLE-related conditions. This variant is not present in population databases (gnomAD no frequency).